The following is an entry in ClinVar:

ClinVar aggregate classification (germline): Benign/Likely benign. Review status: criteria provided, multiple submitters, no conflicts (2 of 4 stars). 5 submissions from 5 submitters: Benign (2); Likely benign (3). Last evaluated 2019-12-31.

Conditions:
Microcephaly 4, primary, autosomal recessive. Identifiers: Orphanet 2512, MedGen C1858516, MONDO:0011437, OMIM 604321.

Allele frequency attached by ClinVar (database versions not stated): gnomAD exomes 0.00113 and 0.00382; gnomAD 0.00141 and 0.00164; ESP Exome Variant Server 0.00042; TOPMed 0.00252; ExAC 0.00337; 1000 Genomes Project 30x 0.00640; 1000 Genomes Project 0.00659.
gnomAD v4.1: 1,920 of 1,613,996 alleles (0.12%); highest among the groups gnomAD compares: East Asian, 1.8%; 10 homozygotes.

Submissions (5):

Labcorp Genetics (formerly Invitae), Labcorp
Classification: Benign. Last evaluated: 2019-12-31. Review status: criteria provided, single submitter. Criteria: Invitae Variant Classification Sherloc (09022015). Collection method: clinical testing. Allele origin: germline.

GeneDx
Classification: Likely benign. Last evaluated: 2019-12-29. Review status: criteria provided, single submitter. Criteria: GeneDx Variant Classification Process June 2021. Collection method: clinical testing. Allele origin: germline. Affected: yes.

Illumina Laboratory Services, Illumina
Classification: Likely benign for Microcephaly 4, primary, autosomal recessive. Last evaluated: 2017-04-27. Review status: criteria provided, single submitter. Criteria: ICSL Variant Classification Criteria 13 December 2019. Collection method: clinical testing. Allele origin: germline.
Comment: This variant was observed as part of a predisposition screen in an ostensibly healthy population. A literature search was performed for the gene, cDNA change, and amino acid change (where applicable). No publications were found based on this search. Allele frequency data from public databases allowed determination this variant is unlikely to cause disease. Therefore, this variant is classified as likely benign.

Genetic Services Laboratory, University of Chicago
Classification: Benign. Last evaluated: 2016-01-06. Review status: criteria provided, single submitter. Criteria: ACMG Guidelines, 2015. Collection method: clinical testing. Allele origin: germline. Affected: no.

Breakthrough Genomics
Classification: Likely benign. Review status: criteria provided, single submitter. Criteria: ACMG Guidelines, 2015. Collection method: not provided. Allele origin: germline. Inheritance: Autosomal recessive inheritance. Affected: yes.

NM_144508.5(KNL1):c.4170T>A (p.Asp1390Glu)

Gene: KNL1 (kinetochore scaffold 1; plus strand). Cytogenetic location: 15q15.1.
Variant type: single nucleotide variant.
Coding change: c.4170T>A on transcript NM_144508.5 (MANE Select); coding-DNA position 4170, T replaced by A.
Protein change: p.Asp1390Glu; replaces aspartic acid 1390 with glutamic acid.
Molecular consequence: missense variant.
Genome position (GRCh38, 1-based): chr15:40,624,434, T>A. VCF-style: chr15-40624434-T-A. GRCh37 (hg19) VCF-style: chr15-40916632-T-A.
Other names: c.4248T>A, p.Asp1416Glu (NM_170589.5); short protein forms D1416E, D1390E.
Identifiers: ClinVar variation 128599 (VCV000128599.17), dbSNP rs141726041, ClinGen allele CA152178.
Genomic context (GRCh38, chr15:40,624,434, plus strand): 5'-TATTCAAACCAGTACCAAAGGACAGTTAGACTGTGTTATAACACTGCACAAAGATCAAGA[T>A]CTGATTAAGGATCCACGAAATCTATTGGCTAATCAAACTTTAGTATATAGTCAAGATCTG-3'
Protein context (NP_653091.3, residues 1380-1400): DCVITLHKDQ[Asp1390Glu]LIKDPRNLLA